The following is an entry in ClinVar:

ClinVar aggregate classification (germline): Pathogenic (1 of 4 stars; one submission).

Conditions:
Nemaline myopathy. Also called: Myopathies, Nemaline. Identifiers: Orphanet 607, MedGen C0206157, MONDO:0018958.

gnomAD v4.1: 7 of 1,597,082 alleles (0.00044%); no homozygotes.

Submission:

Broad Center for Mendelian Genomics, Broad Institute of MIT and Harvard
Classification: Pathogenic for Nemaline myopathy. Last evaluated: 2025-03-24. Review status: criteria provided, single submitter. Criteria: ACMG Guidelines, 2015. Collection method: curation. Allele origin: germline. Inheritance: Autosomal recessive inheritance.
Comment: The c.508-7T>A variant in NEB has been reported, in the compound heterozygous state, in two siblings with nemaline myopathy (PMID: 26197980), and has been identified in 0.01% (7/63554) of European (Finnish) chromosomes by the Genome Aggregation Database (gnomAD; dbSNP ID: rs1248851765). Although this variant has been seen in the general population in a heterozygous state, its frequency is low enough to be consistent with a recessive carrier frequency. This variant is located in the 5‚Äô splice region. Computational tools do suggest an impact to splicing. Minigene analysis performed on affected tissue shows activation of a cryptic splice site, causing an insertions of 5 base pairs. This variant is predicted to cause a frameshift, and leads to a premature termination codon downstream (PMID: 26197980). Loss of function of the NEB gene is an established disease mechanism in autosomal recessive nemaline myopathy. In summary, this variant meets criteria to be classified as pathogenic for autosomal recessive nemaline myopathy. ACMG/AMP Criteria applied: PVS1, PM3, PM2_supporting (Richards 2015).

NM_001164508.2(NEB):c.508-7T>A

Gene: NEB (nebulin; minus strand). Cytogenetic location: 2q23.3.
Variant type: single nucleotide variant.
Coding change: c.508-7T>A on transcript NM_001164508.2 (MANE Select); 7 bases into the intron before coding-DNA position 508, T replaced by A.
Molecular consequence: intron variant.
Genome position (GRCh38, 1-based): chr2:151,724,371, A>T on the plus strand (T>A on the coding strand, the complement: NEB is on the minus strand). VCF-style: chr2-151724371-A-T. GRCh37 (hg19) VCF-style: chr2-152580885-A-T.
Other names: NM_001164508.2:c.508-7T>A; c.508-7T>A (NM_004543.5, NM_001164507.2, NM_001271208.2).
Identifiers: ClinVar variation 3777001 (VCV003777001.1).
Genomic context (GRCh38, chr2:151,724,371, plus strand): 5'-AGGAGGAAGCAGGTACTTATCCTTGGTGTCTTCCCAGTTCTGCTTGTATAAAACCTAGAC[A>T]GAAGGAGCAGAGGATCTGTGGCTTGAGGTCTCACCCAAAGGCATGAGGATTTAAACAACA-3'